The following is an entry in ClinVar:

ClinVar aggregate classification (germline): Conflicting classifications of pathogenicity. Review status: criteria provided, conflicting classifications (1 of 4 stars). 6 submissions from 6 submitters: Uncertain significance (1); Benign (1); Likely benign (4). Last evaluated 2026-05-06.

Conditions:
MLH3-related disorder. Also called: MLH3-related condition.
Colorectal cancer, hereditary nonpolyposis, type 7. Identifiers: Orphanet 144, MedGen C1858380, MONDO:0013725, OMIM 614385.

Allele frequency attached by ClinVar (database versions not stated): gnomAD exomes 0.00001 and 0.00002; ExAC 0.00002; TOPMed 0.00005; gnomAD 0.00007; ESP Exome Variant Server 0.00008.
gnomAD v4.1: 41 of 1,609,640 alleles (0.0025%); highest among the groups gnomAD compares: Non-Finnish European, 0.0033%; no homozygotes.

Submissions (6):

Myriad Genetics, Inc.
Classification: Benign for Colorectal cancer, hereditary nonpolyposis, type 7. Last evaluated: 2026-05-06. Review status: criteria provided, single submitter. Criteria: Myriad Autosomal Dominant, Autosomal Recessive and X-Linked Classification Criteria (2023). Collection method: clinical testing. Allele origin: unknown.
Comment: This variant is considered benign. This variant is a silent/synonymous amino acid change and it is not expected to impact splicing.

PreventionGenetics, part of Exact Sciences
Classification: Likely benign for MLH3-related condition. Last evaluated: 2026-04-28. Review status: criteria provided, single submitter. Criteria: ACMG Guidelines, 2015. Collection method: clinical testing. Allele origin: germline.
Comment: This variant is classified as likely benign based on ACMG/AMP sequence variant interpretation guidelines (Richards et al. 2015 PMID: 25741868, with internal and published modifications).

Labcorp Genetics (formerly Invitae), Labcorp
Classification: Likely benign for Colorectal cancer, hereditary nonpolyposis, type 7. Last evaluated: 2025-10-13. Review status: criteria provided, single submitter. Criteria: Invitae Variant Classification Sherloc (09022015). Collection method: clinical testing. Allele origin: germline.

Blueprint Genetics
Classification: Likely benign. Last evaluated: 2021-03-02. Review status: criteria provided, single submitter. Criteria: ACMG Guidelines, 2015. Collection method: clinical testing. Allele origin: germline.

Ambry Genetics
Classification: Likely benign. Last evaluated: 2020-09-02. Review status: criteria provided, single submitter. Criteria: Ambry Variant Classification Scheme 2023. Collection method: clinical testing. Allele origin: germline.

Illumina Laboratory Services, Illumina
Classification: Uncertain significance for Colorectal cancer, hereditary nonpolyposis, type 7. Last evaluated: 2018-01-13. Review status: criteria provided, single submitter. Criteria: ICSL Variant Classification Criteria 13 December 2019. Collection method: clinical testing. Allele origin: germline.

NM_001040108.2(MLH3):c.3576C>T (p.Leu1192=)

Gene: MLH3 (mutL homolog 3; minus strand). Cytogenetic location: 14q24.3.
Variant type: single nucleotide variant.
Coding change: c.3576C>T on transcript NM_001040108.2 (MANE Select); coding-DNA position 3576, C replaced by T.
Protein change: p.Leu1192=; no amino-acid change (leucine 1192 retained).
Molecular consequence: synonymous variant.
Genome position (GRCh38, 1-based): chr14:75,038,407, G>A on the plus strand (C>T on the coding strand, the complement: MLH3 is on the minus strand). VCF-style: chr14-75038407-G-A. GRCh37 (hg19) VCF-style: chr14-75505110-G-A.
Other names: c.3576C>T, p.Leu1192= (NM_014381.3).
Identifiers: ClinVar variation 314374 (VCV000314374.22), dbSNP rs376981545, ClinGen allele CA7275415.